The following is an entry in ClinVar:

ClinVar aggregate classification (germline): Uncertain significance. Review status: criteria provided, multiple submitters, no conflicts (2 of 4 stars). 2 submissions from 2 submitters: Uncertain significance (2). Last evaluated 2025-06-17.

Conditions:
Intellectual developmental disorder with dysmorphic facies and behavioral abnormalities. Identifiers: MedGen C4748135, MONDO:0060760, OMIM 618089.

gnomAD v4.1: 1 of 1,614,024 alleles (0.000062%); highest among the groups gnomAD compares: African/African-American, 0.0013%; no homozygotes.

Submissions (2):

Labcorp Genetics (formerly Invitae), Labcorp
Classification: Uncertain significance. Last evaluated: 2025-06-17. Review status: criteria provided, single submitter. Criteria: Invitae Variant Classification Sherloc (09022015). Collection method: clinical testing. Allele origin: germline.
Comment: This sequence change replaces leucine, which is neutral and non-polar, with methionine, which is neutral and non-polar, at codon 172 of the FBXO11 protein (p.Leu172Met). This variant is not present in population databases (gnomAD no frequency). This variant has not been reported in the literature in individuals affected with FBXO11-related conditions. ClinVar contains an entry for this variant (Variation ID: 1449364). An algorithm developed to predict the effect of missense changes on protein structure and function (PolyPhen-2) suggests that this variant is likely to be tolerated. In summary, the available evidence is currently insufficient to determine the role of this variant in disease. Therefore, it has been classified as a Variant of Uncertain Significance.

Department of Pathology and Laboratory Medicine, Sinai Health System
Classification: Uncertain significance for intellectual developmental disorder with dysmorphic facies and behavioral abnormalities. Last evaluated: 2020-12-18. Review status: criteria provided, single submitter. Criteria: ACMG Guidelines, 2015. Collection method: research. Allele origin: germline.

NM_001190274.2(FBXO11):c.514C>A (p.Leu172Met)

Gene: FBXO11 (F-box protein 11; minus strand). Cytogenetic location: 2p16.3.
Variant type: single nucleotide variant.
Coding change: c.514C>A on transcript NM_001190274.2 (MANE Select); coding-DNA position 514, C replaced by A.
Protein change: p.Leu172Met; replaces leucine 172 with methionine.
Molecular consequence: missense variant.
Genome position (GRCh38, 1-based): chr2:47,838,932, G>T on the plus strand (C>A on the coding strand, the complement: FBXO11 is on the minus strand). VCF-style: chr2-47838932-G-T. GRCh37 (hg19) VCF-style: chr2-48066071-G-T.
Other names: c.262C>A, p.Leu88Met (NM_001374325.1, NM_025133.4); short protein forms L88M, L172M.
Identifiers: ClinVar variation 1449364 (VCV001449364.7), dbSNP rs777108933, ClinGen allele CA346813010.